The following is an entry in ClinVar:

ClinVar aggregate classification (germline): Likely pathogenic (1 of 4 stars; one submission).

Conditions:
Deeah syndrome. Also called: DEVELOPMENTAL DELAY WITH ENDOCRINE, EXOCRINE, AUTONOMIC, AND HEMATOLOGIC ABNORMALITIES. Identifiers: Orphanet 686495, MedGen C5436579, MONDO:0033561, OMIM 619004.
Neurodevelopmental disorder with dysmorphic facies, impaired speech, and hypotonia. Identifiers: MedGen C5436585, MONDO:0033562, OMIM 619005.

Submission:

Juno Genomics, Hangzhou Juno Genomics, Inc
Classification: Likely pathogenic for Deeah syndrome; Neurodevelopmental disorder with dysmorphic facies, impaired speech, and hypotonia. Review status: criteria provided, single submitter. Criteria: ACMG Guidelines, 2015. Collection method: clinical testing. Allele origin: germline. Affected: yes.
Comment: Null variant in a gene where loss of function (LOF) is a known mechanism of disease.;Absent from controls (or at extremely low frequency if recessive) in Genome Aggregation Database, Exome Sequencing Project, 1000 Genomes Project, or Exome Aggregation Consortium.

NM_001376571.1(MADD):c.1045_1046del (p.Met349fs)

Gene: MADD (MAP kinase activating death domain; plus strand). Cytogenetic location: 11p11.2.
Variant type: Microsatellite.
Coding change: c.1045_1046del on transcript NM_001376571.1 (MANE Select); coding-DNA positions 1045 to 1046, 2 bases deleted (AT; older notation c.1045_1046delAT).
Protein change: p.Met349fs; shifts the reading frame from methionine 349.
Molecular consequence: frameshift variant. On other transcripts: non-coding transcript variant (8).
Genome position (GRCh38, 1-based): chr11:47,276,813-47,276,814, AT deleted; deleting any 2 consecutive bases within chr11:47,276,810-47,276,814 gives the same sequence; the c. name uses the placement nearest the transcript's 3' end. VCF-style (leftmost placement, unchanged base first): chr11-47276809-GTA-G. GRCh37 (hg19) VCF-style: chr11-47298360-GTA-G.
Other names: c.1045_1046del, p.Met349fs (NM_001376633.1, NM_001376634.1, NM_001376636.1 and 80 more transcripts); c.841_842del, p.Met281fs (NM_001376635.1, NM_001376620.1, NM_001376654.1 and 9 more transcripts); c.379_380del, p.Met127fs (NM_001376663.1); short protein forms M127fs, M281fs, M349fs.
Identifiers: ClinVar variation 3381873 (VCV003381873.2).